The following is an entry in ClinVar:

NM_015158.5(KANK1):c.3867G>C (p.Gln1289His)

Gene: KANK1 (KN motif and ankyrin repeat domains 1; plus strand). Cytogenetic location: 9p24.3.
Variant type: single nucleotide variant.
Coding change: c.3867G>C on transcript NM_015158.5 (MANE Select); coding-DNA position 3867, G replaced by C.
Protein change: p.Gln1289His; replaces glutamine 1289 with histidine.
Molecular consequence: missense variant. On other transcripts: non-coding transcript variant (1).
Genome position (GRCh38, 1-based): chr9:742,375, G>C. VCF-style: chr9-742375-G-C. GRCh37 (hg19) VCF-style: chr9-742375-G-C.
Other names: c.3867G>C, p.Gln1289His (NM_001256876.3, NM_001256877.3, NM_001354334.2); c.3627G>C, p.Gln1209His (NM_001354331.2); c.3813G>C, p.Gln1271His (NM_001354332.2); c.3393G>C, p.Gln1131His (NM_001354333.2, NM_001354335.2, NM_001354337.2 and 2 more transcripts); c.3099G>C, p.Gln1033His (NM_001354336.2); c.3339G>C, p.Gln1113His (NM_001354338.2, NM_001354340.2, NM_001354344.2); c.3153G>C, p.Gln1051His (NM_001354339.2, NM_001354342.2, NM_001354343.2); c.3867G>C (NM_015158.2); short protein forms Q1209H, Q1131H, Q1289H, Q1033H, Q1051H, Q1271H, Q1113H.
Identifiers: ClinVar variation 1362242 (VCV001362242.7), dbSNP rs200690950, ClinGen allele CA4961202.
Genomic context (GRCh38, chr9:742,375, plus strand): 5'-GGCCCTCATGTGTGCCAGCGAGCACGGACACGTGGAGATTGTCAAGCTGCTGCTGGCCCA[G>C]CCCGGCTGCAACGGTCACCTAGAGGACAACGTAAGCTGTCTCCATTGGGCCTCCTGGCCA-3'
Protein context (NP_055973.2, residues 1279-1299): HVEIVKLLLA[Gln1289His]PGCNGHLEDN

ClinVar aggregate classification (germline): Uncertain significance. Review status: criteria provided, multiple submitters, no conflicts (2 of 4 stars). 2 submissions from 2 submitters: Uncertain significance (2). Last evaluated 2025-09-08.

Allele frequency attached by ClinVar (database versions not stated): gnomAD 0.00003; TOPMed 0.00006; ExAC 0.00007; gnomAD exomes 0.00008; ESP Exome Variant Server 0.00015; 1000 Genomes Project 30x 0.00016; 1000 Genomes Project 0.00020.

Submissions (2):

Labcorp Genetics (formerly Invitae), Labcorp
Classification: Uncertain significance. Last evaluated: 2025-09-08. Review status: criteria provided, single submitter. Criteria: Invitae Variant Classification Sherloc (09022015). Collection method: clinical testing. Allele origin: germline.
Comment: This sequence change replaces glutamine, which is neutral and polar, with histidine, which is basic and polar, at codon 1289 of the KANK1 protein (p.Gln1289His). This variant is present in population databases (rs200690950, gnomAD 0.02%). This variant has not been reported in the literature in individuals affected with KANK1-related conditions. ClinVar contains an entry for this variant (Variation ID: 1362242). An algorithm developed to predict the effect of missense changes on protein structure and function (PolyPhen-2) suggests that this variant is likely to be disruptive. In summary, the available evidence is currently insufficient to determine the role of this variant in disease. Therefore, it has been classified as a Variant of Uncertain Significance.

Ambry Genetics
Classification: Uncertain significance. Last evaluated: 2023-10-14. Review status: criteria provided, single submitter. Criteria: Ambry Variant Classification Scheme 2023. Collection method: clinical testing. Allele origin: germline.